The following is an entry in ClinVar:

NM_001351303.2(ZDHHC11B):c.975A>G (p.Pro325=)

Gene: ZDHHC11B (zDHHC palmitoyltransferase 11B (putative); minus strand). Cytogenetic location: 5p15.33.
Variant type: single nucleotide variant.
Coding change: c.975A>G on transcript NM_001351303.2 (MANE Select); coding-DNA position 975, A replaced by G.
Protein change: p.Pro325=; no amino-acid change (proline 325 retained).
Molecular consequence: synonymous variant. On other transcripts: non-coding transcript variant (2).
Genome position (GRCh38, 1-based): chr5:733,800, T>C on the plus strand (A>G on the coding strand, the complement: ZDHHC11B is on the minus strand). VCF-style: chr5-733800-T-C. GRCh37 (hg19) VCF-style: chr5-733915-T-C.
Identifiers: ClinVar variation 3387902 (VCV003387902.14).

ClinVar aggregate classification (germline): Likely benign (1 of 4 stars; one submission).

gnomAD v4.1: 7,156 of 1,604,056 alleles (0.45%); highest among the groups gnomAD compares: Middle Eastern, 1.1%; 5 homozygotes.

Submission:

CeGaT Center for Human Genetics Tuebingen
Classification: Likely benign. Last evaluated: 2026-06-01. Review status: criteria provided, single submitter. Criteria: CeGaT Center For Human Genetics Tuebingen Variant Classification Criteria Version 2. Collection method: clinical testing. Allele origin: germline. Affected: yes. Observed: 4 variant alleles.
Comment: ZDHHC11B: BP4, BP7